The following is an entry in ClinVar:

NM_173354.5(SIK1):c.1342G>A (p.Ala448Thr)

Gene: SIK1 (salt inducible kinase 1; minus strand). Cytogenetic location: 21q22.3.
Variant type: single nucleotide variant.
Coding change: c.1342G>A on transcript NM_173354.5 (MANE Select); coding-DNA position 1342, G replaced by A.
Protein change: p.Ala448Thr; replaces alanine 448 with threonine.
Molecular consequence: missense variant.
Genome position (GRCh38, 1-based): chr21:43,419,141, C>T on the plus strand (G>A on the coding strand, the complement: SIK1 is on the minus strand). VCF-style: chr21-43419141-C-T. GRCh37 (hg19) VCF-style: chr21-44839021-C-T.
Other names: short protein forms A448T.
Identifiers: ClinVar variation 1364160 (VCV001364160.8), dbSNP rs1432976972, ClinGen allele CA410608208.
Genomic context (GRCh38, chr21:43,419,141, plus strand): 5'-TGCTGCTGGGCAGGGACTCCTGCGTGTCCTGCTCCTCCTCTAGGCCCGGCCCCTGCCTGG[C>T]CTCCTCACTGATGGCTGTGTCCAGCAGGCTGCTTGGGGACACGGGCCGGGGCCGGAACAC-3'
Protein context (NP_775490.2, residues 438-458): SLLDTAISEE[Ala448Thr]RQGPGLEEEQ

ClinVar aggregate classification (germline): Uncertain significance (1 of 4 stars; one submission).

Conditions:
Developmental and epileptic encephalopathy, 30 (DEE30). Also called: Epileptic encephalopathy, early infantile, 30. Identifiers: MedGen C4225360, MONDO:0014595, OMIM 616341.

Submission:

Labcorp Genetics (formerly Invitae), Labcorp
Classification: Uncertain significance for Developmental and epileptic encephalopathy, 30. Last evaluated: 2021-06-27. Review status: criteria provided, single submitter. Criteria: Invitae Variant Classification Sherloc (09022015). Collection method: clinical testing. Allele origin: germline.
Comment: This variant is not present in population databases (ExAC no frequency). This variant has not been reported in the literature in individuals affected with SIK1-related conditions. Advanced modeling of protein sequence and biophysical properties (such as structural, functional, and spatial information, amino acid conservation, physicochemical variation, residue mobility, and thermodynamic stability) performed at Invitae indicates that this missense variant is not expected to disrupt SIK1 protein function. In summary, the available evidence is currently insufficient to determine the role of this variant in disease. Therefore, it has been classified as a Variant of Uncertain Significance. This sequence change replaces alanine with threonine at codon 448 of the SIK1 protein (p.Ala448Thr). The alanine residue is moderately conserved and there is a small physicochemical difference between alanine and threonine.